The following is an entry in ClinVar:

NM_000719.7(CACNA1C):c.2500A>G (p.Lys834Glu)

Gene: CACNA1C (calcium voltage-gated channel subunit alpha1 C; plus strand). Cytogenetic location: 12p13.33.
Variant type: single nucleotide variant.
Coding change: c.2500A>G on transcript NM_000719.7 (MANE Select); coding-DNA position 2500, A replaced by G.
Protein change: p.Lys834Glu; replaces lysine 834 with glutamic acid.
Molecular consequence: missense variant.
Genome position (GRCh38, 1-based): chr12:2,585,874, A>G. VCF-style: chr12-2585874-A-G. GRCh37 (hg19) VCF-style: chr12-2695040-A-G.
Other names: c.2500A>G, p.Lys834Glu (NM_001129827.2, NM_001129829.2, NM_001129830.3 and 18 more transcripts); c.2491A>G, p.Lys831Glu (NM_001129844.2); short protein forms K834E, K831E.
Identifiers: ClinVar variation 633645 (VCV000633645.57), dbSNP rs1555836187, ClinGen allele CA383371976.

ClinVar aggregate classification (germline): Uncertain significance. Review status: criteria provided, single submitter (1 of 4 stars). 2 submissions from 2 submitters: Uncertain significance (1). 1 of the submissions does not count toward it. Last evaluated 2024-05-15.

Conditions:
Long QT syndrome (LQTS). Identifiers: MedGen C0023976, MeSH D008133, MONDO:0002442. Disease mechanism: loss of function. Inheritance: Various modes of inheritance.
Long QT syndrome 8. Identifiers: MedGen CN260585, MONDO:0032756, OMIM 618447.

Submissions (2):

Labcorp Genetics (formerly Invitae), Labcorp
Classification: Uncertain significance for Long QT syndrome. Last evaluated: 2024-05-15. Review status: criteria provided, single submitter. Criteria: Invitae Variant Classification Sherloc (09022015). Collection method: clinical testing. Allele origin: germline.
Comment: This sequence change replaces lysine, which is basic and polar, with glutamic acid, which is acidic and polar, at codon 834 of the CACNA1C protein (p.Lys834Glu). This variant is not present in population databases (gnomAD no frequency). This missense change has been observed in individuals with clinical features of Long QT Syndrome (PMID: 23677916; Invitae). ClinVar contains an entry for this variant (Variation ID: 633645). Advanced modeling of protein sequence and biophysical properties (such as structural, functional, and spatial information, amino acid conservation, physicochemical variation, residue mobility, and thermodynamic stability) performed at Invitae indicates that this missense variant is not expected to disrupt CACNA1C protein function with a negative predictive value of 95%. In summary, the available evidence is currently insufficient to determine the role of this variant in disease. Therefore, it has been classified as a Variant of Uncertain Significance.

OMIM
Classification: Pathogenic for LONG QT SYNDROME 8. Last evaluated: 2019-06-05. Review status: no assertion criteria provided. Collection method: literature only. Allele origin: germline. Not counted in ClinVar's aggregate classification.

Literature cited by the submitters: PubMed 23677916 (cited by Labcorp Genetics (formerly Invitae), Labcorp and OMIM).